The following is an entry in ClinVar:

NM_001035.3(RYR2):c.7438G>T (p.Val2480Phe)

Gene: RYR2 (ryanodine receptor 2; plus strand). Cytogenetic location: 1q43.
Variant type: single nucleotide variant.
Coding change: c.7438G>T on transcript NM_001035.3 (MANE Select); coding-DNA position 7438, G replaced by T.
Protein change: p.Val2480Phe; replaces valine 2480 with phenylalanine.
Molecular consequence: missense variant.
Genome position (GRCh38, 1-based): chr1:237,648,539, G>T. VCF-style: chr1-237648539-G-T. GRCh37 (hg19) VCF-style: chr1-237811839-G-T.
Other names: short protein forms V2480F.
Identifiers: ClinVar variation 1356345 (VCV001356345.7), dbSNP rs774182084, ClinGen allele CA087389.

ClinVar aggregate classification (germline): Uncertain significance (1 of 4 stars; one submission).

Conditions:
Catecholaminergic polymorphic ventricular tachycardia 1. Also called: RYR2-Related Catecholaminergic Polymorphic Ventricular Tachycardia; VENTRICULAR TACHYCARDIA, CATECHOLAMINERGIC POLYMORPHIC, 1, WITH OR WITHOUT ATRIAL DYSFUNCTION AND/OR DILATED CARDIOMYOPATHY; VENTRICULAR TACHYCARDIA, STRESS-INDUCED POLYMORPHIC 1. Identifiers: Orphanet 3286, MedGen C1631597, MONDO:0011484, OMIM 604772.

Allele frequency attached by ClinVar (database versions not stated): ExAC 0.00001.

Submission:

Labcorp Genetics (formerly Invitae), Labcorp
Classification: Uncertain significance for Catecholaminergic polymorphic ventricular tachycardia 1. Last evaluated: 2021-10-21. Review status: criteria provided, single submitter. Criteria: Invitae Variant Classification Sherloc (09022015). Collection method: clinical testing. Allele origin: germline.
Comment: Advanced modeling of protein sequence and biophysical properties (such as structural, functional, and spatial information, amino acid conservation, physicochemical variation, residue mobility, and thermodynamic stability) performed at Invitae indicates that this missense variant is not expected to disrupt RYR2 protein function. In summary, the available evidence is currently insufficient to determine the role of this variant in disease. Therefore, it has been classified as a Variant of Uncertain Significance. This variant has not been reported in the literature in individuals affected with RYR2-related conditions. This variant is not present in population databases (gnomAD no frequency). This sequence change replaces valine, which is neutral and non-polar, with phenylalanine, which is neutral and non-polar, at codon 2480 of the RYR2 protein (p.Val2480Phe).